The following is an entry in ClinVar:

ClinVar aggregate classification (germline): Uncertain significance (1 of 4 stars; one submission).

gnomAD v4.1: 7 of 1,612,452 alleles (0.00043%); highest among the groups gnomAD compares: Admixed American, 0.0017%; no homozygotes.

Submission:

GeneDx
Classification: Uncertain significance. Last evaluated: 2025-02-11. Review status: criteria provided, single submitter. Criteria: GeneDx Variant Classification Process June 2021. Collection method: clinical testing. Allele origin: germline. Affected: yes.
Comment: Not observed at significant frequency in large population cohorts (gnomAD); In silico analysis indicates that this missense variant does not alter protein structure/function; Has not been previously published as pathogenic or benign to our knowledge

NM_002936.6(RNASEH1):c.851C>T (p.Ser284Leu)

Gene: RNASEH1 (ribonuclease H1; minus strand). Cytogenetic location: 2p25.3.
Variant type: single nucleotide variant.
Coding change: c.851C>T on transcript NM_002936.6 (MANE Select); coding-DNA position 851, C replaced by T.
Protein change: p.Ser284Leu; replaces serine 284 with leucine.
Molecular consequence: missense variant. On other transcripts: 3 prime UTR variant (1), non-coding transcript variant (7).
Genome position (GRCh38, 1-based): chr2:3,545,795, G>A on the plus strand (C>T on the coding strand, the complement: RNASEH1 is on the minus strand). VCF-style: chr2-3545795-G-A. GRCh37 (hg19) VCF-style: chr2-3593385-G-A.
Other names: c.773C>T, p.Ser258Leu (NM_001286834.3); c.500C>T, p.Ser167Leu (NM_001286837.3); c.*46C>T (NM_001378271.1); c.848C>T, p.Ser283Leu (NM_001378272.1); c.836C>T, p.Ser279Leu (NM_001378273.1); short protein forms S167L, S258L, S279L, S283L, S284L.
Identifiers: ClinVar variation 4074394 (VCV004074394.1).